The following is an entry in ClinVar:

NM_001197104.2(KMT2A):c.1655C>T (p.Ala552Val)

Gene: KMT2A (lysine methyltransferase 2A; plus strand). Cytogenetic location: 11q23.3.
Variant type: single nucleotide variant.
Coding change: c.1655C>T on transcript NM_001197104.2 (MANE Select); coding-DNA position 1655, C replaced by T.
Protein change: p.Ala552Val; replaces alanine 552 with valine.
Molecular consequence: missense variant.
Genome position (GRCh38, 1-based): chr11:118,472,814, C>T. VCF-style: chr11-118472814-C-T. GRCh37 (hg19) VCF-style: chr11-118343529-C-T.
Other names: c.1754C>T, p.Ala585Val (NM_001412597.1); c.1655C>T, p.Ala552Val (NM_005933.4); short protein forms A552V, A585V.
Identifiers: ClinVar variation 4769019 (VCV004769019.1).

ClinVar aggregate classification (germline): Uncertain significance (1 of 4 stars; one submission).

Submission:

Labcorp Genetics (formerly Invitae), Labcorp
Classification: Uncertain significance. Last evaluated: 2025-10-23. Review status: criteria provided, single submitter. Criteria: Invitae Variant Classification Sherloc (09022015). Collection method: clinical testing. Allele origin: germline.
Comment: This sequence change replaces alanine, which is neutral and non-polar, with valine, which is neutral and non-polar, at codon 552 of the KMT2A protein (p.Ala552Val). This variant is not present in population databases (gnomAD no frequency). This variant has not been reported in the literature in individuals affected with KMT2A-related conditions. Invitae Evidence Modeling of protein sequence and biophysical properties (such as structural, functional, and spatial information, amino acid conservation, physicochemical variation, residue mobility, and thermodynamic stability) indicates that this missense variant is not expected to disrupt KMT2A protein function with a negative predictive value of 95%. In summary, the available evidence is currently insufficient to determine the role of this variant in disease. Therefore, it has been classified as a Variant of Uncertain Significance.